The following is an entry in ClinVar:

NM_001029883.3(PCARE):c.3535_3540dup (p.Ala1179_Ala1180dup)

Gene: PCARE (photoreceptor cilium actin regulator; minus strand). Cytogenetic location: 2p23.2.
Variant type: Duplication.
Coding change: c.3535_3540dup on transcript NM_001029883.3 (MANE Select); coding-DNA positions 3535 to 3540, 6 bases duplicated (GCAGCT; older notation c.3535_3540dupGCAGCT).
Protein change: p.Ala1179_Ala1180dup.
Molecular consequence: inframe insertion.
Genome position (GRCh38, 1-based): chr2:29,070,722-29,070,727, AGCTGC duplicated on the plus strand (GCAGCT on the coding strand, the reverse complement: PCARE is on the minus strand). VCF-style (leftmost placement, unchanged base first): chr2-29070721-G-GAGCTGC. GRCh37 (hg19) VCF-style: chr2-29293587-G-GAGCTGC.
Identifiers: ClinVar variation 1384376 (VCV001384376.6), dbSNP rs1667458623, ClinGen allele CA1028802547.

ClinVar aggregate classification (germline): Uncertain significance (1 of 4 stars; one submission).

Allele frequency attached by ClinVar (database versions not stated): gnomAD exomes below 0.00001; gnomAD 0.00002.

Submission:

Labcorp Genetics (formerly Invitae), Labcorp
Classification: Uncertain significance. Last evaluated: 2022-08-05. Review status: criteria provided, single submitter. Criteria: Invitae Variant Classification Sherloc (09022015). Collection method: clinical testing. Allele origin: germline.
Comment: In summary, the available evidence is currently insufficient to determine the role of this variant in disease. Therefore, it has been classified as a Variant of Uncertain Significance. Experimental studies and prediction algorithms are not available or were not evaluated, and the functional significance of this variant is currently unknown. ClinVar contains an entry for this variant (Variation ID: 1384376). This variant has not been reported in the literature in individuals affected with PCARE-related conditions. This variant is not present in population databases (gnomAD no frequency). This variant, c.3535_3540dup, results in the insertion of 2 amino acid(s) of the PCARE protein (p.Ala1179_Ala1180dup), but otherwise preserves the integrity of the reading frame.